The following is an entry in ClinVar:

ClinVar aggregate classification (germline): Uncertain significance (1 of 4 stars; one submission).

Conditions:
Multiple endocrine neoplasia, type 2 (MEN2). Identifiers: Orphanet 653, MedGen C4048306, MONDO:0019003. Disease mechanism: gain of function.

Submission:

Labcorp Genetics (formerly Invitae), Labcorp
Classification: Uncertain significance for Multiple endocrine neoplasia, type 2. Last evaluated: 2024-09-17. Review status: criteria provided, single submitter. Criteria: Invitae Variant Classification Sherloc (09022015). Collection method: clinical testing. Allele origin: germline.
Comment: This sequence change replaces methionine, which is neutral and non-polar, with leucine, which is neutral and non-polar, at codon 848 of the RET protein (p.Met848Leu). This variant is not present in population databases (gnomAD no frequency). This variant has not been reported in the literature in individuals affected with RET-related conditions. An algorithm developed to predict the effect of missense changes on protein structure and function (PolyPhen-2) suggests that this variant is likely to be tolerated. In summary, the available evidence is currently insufficient to determine the role of this variant in disease. Therefore, it has been classified as a Variant of Uncertain Significance.

NM_020975.6(RET):c.2542A>C (p.Met848Leu)

Gene: RET (ret proto-oncogene; plus strand). Cytogenetic location: 10q11.21.
Variant type: single nucleotide variant.
Coding change: c.2542A>C on transcript NM_020975.6 (MANE Select); coding-DNA position 2542, A replaced by C.
Protein change: p.Met848Leu; replaces methionine 848 with leucine.
Molecular consequence: missense variant.
Genome position (GRCh38, 1-based): chr10:43,119,680, A>C. VCF-style: chr10-43119680-A-C. GRCh37 (hg19) VCF-style: chr10-43615128-A-C.
Other names: c.1780A>C, p.Met594Leu (NM_001355216.2); c.2542A>C, p.Met848Leu (NM_001406743.1, NM_001406744.1, NM_001406759.1 and 2 more transcripts); c.2413A>C, p.Met805Leu (NM_001406761.1, NM_001406762.1, NM_001406764.1); c.2146A>C, p.Met716Leu (NM_001406772.1, NM_001406769.1); c.2104A>C, p.Met702Leu (NM_001406773.1, NM_001406771.1); c.2017A>C, p.Met673Leu (NM_001406774.1); c.1816A>C, p.Met606Leu (NM_001406775.1, NM_001406776.1, NM_001406777.1 and 1 more transcripts); c.1645A>C, p.Met549Leu (NM_001406779.1, NM_001406780.1, NM_001406781.1 and 1 more transcripts); and 10 more; short protein forms M453L, M549L, M803L, M848L, M365L, M413L, M504L, M506L.
Identifiers: ClinVar variation 3717613 (VCV003717613.2).
Genomic context (GRCh38, chr10:43,119,680, plus strand): 5'-GGCAGTGGAGGCAGCCGCAACTCCAGCTCCCTGGACCACCCGGATGAGCGGGCCCTCACC[A>C]TGGGCGACCTCATCTCATTTGCCTGGCAGATCTCACAGGGGATGCAGTATCTGGCCGAGA-3'
Protein context (NP_066124.1, residues 838-858): LDHPDERALT[Met848Leu]GDLISFAWQI